The following is an entry in ClinVar:

NM_170606.3(KMT2C):c.4918G>C (p.Glu1640Gln)

Gene: KMT2C (lysine methyltransferase 2C; minus strand). Cytogenetic location: 7q36.1.
Variant type: single nucleotide variant.
Coding change: c.4918G>C on transcript NM_170606.3 (MANE Select); coding-DNA position 4918, G replaced by C.
Protein change: p.Glu1640Gln; replaces glutamic acid 1640 with glutamine.
Molecular consequence: missense variant.
Genome position (GRCh38, 1-based): chr7:152,187,352, C>G on the plus strand (G>C on the coding strand, the complement: KMT2C is on the minus strand). VCF-style: chr7-152187352-C-G. GRCh37 (hg19) VCF-style: chr7-151884437-C-G.
Other names: short protein forms E1640Q.
Identifiers: ClinVar variation 1064557 (VCV001064557.4), dbSNP rs373510851, ClinGen allele CA4580381.

ClinVar aggregate classification (germline): Uncertain significance. Review status: criteria provided, multiple submitters, no conflicts (2 of 4 stars). 2 submissions from 2 submitters: Uncertain significance (2). Last evaluated 2021-12-17.

Conditions:
Kleefstra syndrome 2 (KLEFS2). Identifiers: MedGen C4540395, MONDO:0054701, OMIM 617768.

Allele frequency attached by ClinVar (database versions not stated): ExAC 0.00001; ESP Exome Variant Server 0.00008.
gnomAD v4.1: 28 of 1,614,138 alleles (0.0017%); highest among the groups gnomAD compares: Non-Finnish European, 0.0023%; no homozygotes.

Submissions (2):

Centre of Medical Genetics, University Hospital Muenster
Classification: Uncertain significance. Last evaluated: 2021-12-17. Review status: criteria provided, single submitter. Criteria: ACMG Guidelines, 2015. Collection method: clinical testing. Allele origin: unknown. Affected: yes. Observed: 1 variant allele, 1 heterozygote.
Comment: ACMG categories: PM2,PP3,BP1

UNC Molecular Genetics  Laboratory, University of North Carolina at Chapel Hill
Classification: Uncertain significance for Kleefstra syndrome 2. Last evaluated: 2020-04-01. Review status: criteria provided, single submitter. Criteria: ACMG Guidelines, 2015. Collection method: research. Allele origin: germline. Observed: 1 variant allele. Study: CSER_NCGENES.
Comment: The KMT2C c.4918G>C (p.Glu1640Gln) is a missense variant that changes a single amino acid in the encoded protein from glutamic acid to glutamine. This is a rare variant observed in the heterozygous state in 2 out of 251,402 alleles (0.0008%) from unselected individuals in the general population and is not reported in homozygosity. This variant has not been previously reported with disease in the literature. Although nearly all KMT2C variants reported to date in association with its neurodevelopmental disorder are de novo protein truncating variants, the effect of this missense variant on protein function is unknown. This variant has conflicting predictions of pathogenicity by in silico tools and its effect on protein function is unknown. This is considered a variant of uncertain significance.